The following is an entry in ClinVar:

ClinVar aggregate classification (germline): Conflicting classifications of pathogenicity. Review status: criteria provided, conflicting classifications (1 of 4 stars). 7 submissions from 7 submitters: Uncertain significance (3); Likely benign (4). Last evaluated 2025-10-05.

Conditions:
Hereditary cancer-predisposing syndrome. Also called: Neoplastic Syndromes, Hereditary; Tumor predisposition; Hereditary Cancer Syndrome; Hereditary neoplastic syndrome. Identifiers: Orphanet 140162, MedGen C0027672, MeSH D009386, MONDO:0015356.
Familial adenomatous polyposis 1 (FAP1). Also called: FAMILIAL ADENOMATOUS POLYPOSIS 1, ATTENUATED; POLYPOSIS, ADENOMATOUS INTESTINAL. Identifiers: MedGen C2713442, MONDO:0021056, OMIM 175100. Disease mechanism: loss of function.

Allele frequency attached by ClinVar (database versions not stated): gnomAD 0.00001; TOPMed 0.00001.
gnomAD v4.1: 13 of 1,605,718 alleles (0.00081%); highest among the groups gnomAD compares: Non-Finnish European, 0.001%; no homozygotes.

Submissions (7):

Labcorp Genetics (formerly Invitae), Labcorp
Classification: Likely benign for Familial adenomatous polyposis 1. Last evaluated: 2025-10-05. Review status: criteria provided, single submitter. Criteria: Invitae Variant Classification Sherloc (09022015). Collection method: clinical testing. Allele origin: germline.

Color Diagnostics, LLC DBA Color Health
Classification: Uncertain significance for Hereditary cancer-predisposing syndrome. Last evaluated: 2025-03-31. Review status: criteria provided, single submitter. Criteria: ACMG Guidelines, 2015. Collection method: clinical testing. Allele origin: germline.
Comment: This variant causes a C to A nucleotide substitution at the +5 position of intron 9 of the APC gene. Splice site prediction tools suggest that this variant may not impact RNA splicing. To our knowledge, functional studies have not been reported for this variant. This variant has not been reported in individuals affected with APC-related disorders in the literature. This variant has been identified in 1/251038 chromosomes in the general population by the Genome Aggregation Database (gnomAD). The available evidence is insufficient to determine the role of this variant in disease conclusively. Therefore, this variant is classified as a Variant of Uncertain Significance.

Center for Genomic Medicine, Rigshospitalet, Copenhagen University Hospital
Classification: Likely benign. Last evaluated: 2025-03-04. Review status: criteria provided, single submitter. Criteria: ACMG Guidelines, 2015. Collection method: clinical testing. Allele origin: germline.

Quest Diagnostics Nichols Institute San Juan Capistrano
Classification: Uncertain significance. Last evaluated: 2024-08-26. Review status: criteria provided, single submitter. Criteria: Quest Diagnostics criteria. Collection method: clinical testing. Allele origin: unknown.
Comment: The APC c.933+5C>A variant has not been reported in individuals with APC-related conditions in the published literature. The frequency of this variant in the general population, 0.000004 (1/251038 chromosomes (Genome Aggregation Database)), is uninformative in the assessment of its pathogenicity. Analysis of this variant using software algorithms for the prediction of the effect of nucleotide changes on splicing yielded predictions that this variant does not affect APC mRNA splicing. Based on the available information, we are unable to determine the clinical significance of this variant.

Ambry Genetics
Classification: Likely benign for Hereditary cancer-predisposing syndrome. Last evaluated: 2021-04-06. Review status: criteria provided, single submitter. Criteria: Ambry Variant Classification Scheme 2023. Collection method: clinical testing. Allele origin: germline.

GeneDx
Classification: Likely benign. Last evaluated: 2019-08-08. Review status: criteria provided, single submitter. Criteria: GeneDx Variant Classification Process June 2021. Collection method: clinical testing. Allele origin: germline. Affected: yes.

Laboratory for Molecular Medicine, Mass General Brigham Personalized Medicine
Classification: Uncertain significance. Last evaluated: 2017-04-03. Review status: criteria provided, single submitter. Criteria: LMM Criteria. Collection method: clinical testing. Allele origin: germline. Observed: 1 variant allele.
Comment: The c.933+5C>A variant in APC has not been previously reported in the literature in individuals with familial adenomatous polyposis or other APC-associated diso rders, but has been reported in ClinVar (Variation ID 231369). This variant has also been identified in 1/111454 of European chromosomes by the Genome Aggregati on Database (gnomAD; dbSNP rs573528468). This variant is located in the 5' splice region. Although nucleotide substitutions at the +5 position of the intron are relatively common causes of aberrant splicing , computational tools do not suggest an impact to splicing, though this informat ion is not predictive enough to rule out pathogenicity. In summary, the clinical significance of the c.933+5C>A variant is uncertain.

NM_000038.6(APC):c.933+5C>A

Gene: APC (APC regulator of Wnt signaling pathway; plus strand). Cytogenetic location: 5q22.2.
Variant type: single nucleotide variant.
Coding change: c.933+5C>A on transcript NM_000038.6 (MANE Select); 5 bases into the intron after coding-DNA position 933, C replaced by A.
Molecular consequence: intron variant.
Genome position (GRCh38, 1-based): chr5:112,815,598, C>A. VCF-style: chr5-112815598-C-A. GRCh37 (hg19) VCF-style: chr5-112151295-C-A.
Other names: c.933+5C>A (NM_001354895.2, NM_001127510.3, NM_001354896.2 and 1 more transcripts); c.963+5C>A (NM_001354897.2, NM_001354902.2); c.879+5C>A (NM_001127511.3); c.858+5C>A (NM_001354898.2, NM_001354904.2); c.84+5C>A (NM_001354906.2); c.849+5C>A (NM_001354899.2); c.756+5C>A (NM_001354900.2, NM_001354901.2, NM_001354905.2).
Identifiers: ClinVar variation 231369 (VCV000231369.28), dbSNP rs573528468, ClinGen allele CA051240.